The following is an entry in ClinVar:

ClinVar aggregate classification (germline): Pathogenic (1 of 4 stars; one submission).

Submission:

GeneDx
Classification: Pathogenic. Last evaluated: 2016-03-28. Review status: criteria provided, single submitter. Criteria: GeneDx Variant Classification (06012015). Collection method: clinical testing. Allele origin: germline. Affected: yes.
Comment: The c.2039_2040delCG pathogenic variant in the HSPG2 gene has not been reported previously as a pathogenic variant nor as a benign variant, to our knowledge. The c.2039_2040delCG variant causes a frameshift starting with codon Alanine 680, changes this amino acid to a Glycine residue, and creates a premature Stop codon at position 28 of the new reading frame, denoted p.Ala680GlyfsX28. This variant is predicted to cause loss of normal protein function either through protein truncation or nonsense-mediated mRNA decay. The c.2039_2040delCG variant was not observed in approximately 6,500 individuals of European and African American ancestry in the NHLBI Exome Sequencing Project, indicating it is not a common benign variant in these populations. We interpret c.2039_2040delCG as a pathogenic variant.

NM_005529.7(HSPG2):c.2039_2040del (p.Ala680fs)

Gene: HSPG2 (heparan sulfate proteoglycan 2; minus strand). Cytogenetic location: 1p36.12.
Variant type: Microsatellite.
Coding change: c.2039_2040del on transcript NM_005529.7 (MANE Select); coding-DNA positions 2039 to 2040, 2 bases deleted (CG; older notation c.2039_2040delCG).
Protein change: p.Ala680fs; shifts the reading frame from alanine 680.
Molecular consequence: frameshift variant.
Genome position (GRCh38, 1-based): chr1:21,880,518-21,880,519, CG deleted on the plus strand (CG on the coding strand, the reverse complement: HSPG2 is on the minus strand); deleting any 2 consecutive bases within chr1:21,880,518-21,880,524 gives the same sequence; the c. name uses the placement nearest the transcript's 3' end. VCF-style (leftmost placement, unchanged base first): chr1-21880517-CCG-C. GRCh37 (hg19) VCF-style: chr1-22207010-CCG-C.
Other names: c.2042_2043del, p.Ala681fs (NM_001291860.2); short protein forms A681fs, A680fs.
Identifiers: ClinVar variation 280466 (VCV000280466.2), dbSNP rs886041667, ClinGen allele CA10602759.